The following is an entry in ClinVar:

NM_000045.4(ARG1):c.832G>A (p.Val278Met)

Genes: ARG1 (arginase 1; plus strand), MED23 (mediator complex subunit 23; minus strand). Cytogenetic location: 6q23.2.
Variant type: single nucleotide variant.
Coding change: c.832G>A on transcript NM_000045.4 (MANE Select); coding-DNA position 832, G replaced by A.
Protein change: p.Val278Met; replaces valine 278 with methionine.
Molecular consequence: missense variant. On other transcripts: non-coding transcript variant (1), intron variant (2).
Genome position (GRCh38, 1-based): chr6:131,583,771, G>A. VCF-style: chr6-131583771-G-A. GRCh37 (hg19) VCF-style: chr6-131904911-G-A.
Other names: c.856G>A, p.Val286Met (NM_001244438.2); c.577G>A, p.Val193Met (NM_001369020.1); c.4077+3938C>T (NM_001270521.2); c.4095+3938C>T (NM_015979.4); short protein forms V193M, V278M, V286M.
Identifiers: ClinVar variation 5041251 (VCV005041251.1).

ClinVar aggregate classification (germline): Uncertain significance (1 of 4 stars; one submission).

gnomAD v4.1: 12 of 1,613,926 alleles (0.00074%); highest among the groups gnomAD compares: Non-Finnish European, 0.001%; no homozygotes.

Submission:

CeGaT Center for Human Genetics Tuebingen
Classification: Uncertain significance. Last evaluated: 2026-09-01. Review status: criteria provided, single submitter. Criteria: CeGaT Center For Human Genetics Tuebingen Variant Classification Criteria Version 2. Collection method: clinical testing. Allele origin: germline. Affected: yes. Observed: 1 variant allele.
Comment: ARG1: PM2